The following is an entry in ClinVar:

ClinVar aggregate classification (germline): Pathogenic/Likely pathogenic. Review status: criteria provided, multiple submitters, no conflicts (2 of 4 stars). 2 submissions from 2 submitters: Pathogenic (1); Likely pathogenic (1). Last evaluated 2024-10-24.

Conditions:
Combined immunodeficiency due to DOCK8 deficiency (HIES2). Also called: HIES autosomal recessive; DOCK8 Deficiency; Hyper-IgE recurrent infection syndrome, autosomal recessive; HYPER-IgE RECURRENT INFECTION SYNDROME 2, AUTOSOMAL RECESSIVE; HYPER-IgE SYNDROME 2, AUTOSOMAL RECESSIVE, WITH RECURRENT INFECTIONS. Identifiers: Orphanet 217390, MedGen C4722305, MONDO:0009478, OMIM 243700.

Allele frequency attached by ClinVar (database versions not stated): gnomAD exomes below 0.00001.
gnomAD v4.1: 16 of 1,614,222 alleles (0.00099%); highest among the groups gnomAD compares: Non-Finnish European, 0.0014%; no homozygotes.

Submissions (2):

Labcorp Genetics (formerly Invitae), Labcorp
Classification: Pathogenic for Combined immunodeficiency due to DOCK8 deficiency. Last evaluated: 2024-10-24. Review status: criteria provided, single submitter. Criteria: Invitae Variant Classification Sherloc (09022015). Collection method: clinical testing. Allele origin: germline.
Comment: This sequence change creates a premature translational stop signal (p.Gln655*) in the DOCK8 gene. It is expected to result in an absent or disrupted protein product. Loss-of-function variants in DOCK8 are known to be pathogenic (PMID: 14722525, 19776401). This variant is present in population databases (no rsID available, gnomAD 0.0009%). This variant has not been reported in the literature in individuals affected with DOCK8-related conditions. ClinVar contains an entry for this variant (Variation ID: 941448). For these reasons, this variant has been classified as Pathogenic.

Fulgent Genetics
Classification: Likely pathogenic for Combined immunodeficiency due to DOCK8 deficiency. Last evaluated: 2024-06-24. Review status: criteria provided, single submitter. Criteria: ACMG Guidelines, 2015. Collection method: clinical testing. Allele origin: germline.

Literature cited by the submitters: PubMed 14722525 (cited by Labcorp Genetics (formerly Invitae), Labcorp); PubMed 19776401 (cited by Labcorp Genetics (formerly Invitae), Labcorp).

NM_203447.4(DOCK8):c.1963C>T (p.Gln655Ter)

Gene: DOCK8 (dedicator of cytokinesis 8; plus strand). Cytogenetic location: 9p24.3.
Variant type: single nucleotide variant.
Coding change: c.1963C>T on transcript NM_203447.4 (MANE Select); coding-DNA position 1963, C replaced by T.
Protein change: p.Gln655Ter; replaces glutamine 655 with a stop codon.
Molecular consequence: nonsense.
Genome position (GRCh38, 1-based): chr9:371,522, C>T. VCF-style: chr9-371522-C-T. GRCh37 (hg19) VCF-style: chr9-371522-C-T.
Other names: c.1759C>T, p.Gln587Ter (NM_001190458.2, NM_001193536.2); short protein forms Q587*, Q655*.
Identifiers: ClinVar variation 941448 (VCV000941448.8), dbSNP rs1287635563, ClinGen allele CA372761548.
Genomic context (GRCh38, chr9:371,522, plus strand): 5'-CTCCCCGCTAAGCTCACAGTAAATCACCACCTCCTGTTCACCTTCTACCATATCAGCTGT[C>T]AGCAGAAGCAAGGAGCCTCCGTGGAAACTCTCCTGGGATATTCAGTGAGTTGTTTCCAGC-3'